The following is an entry in ClinVar:

NM_000384.3(APOB):c.905-15C>G

Gene: APOB (apolipoprotein B; minus strand). Cytogenetic location: 2p24.1.
Variant type: single nucleotide variant.
Coding change: c.905-15C>G on transcript NM_000384.3 (MANE Select); 15 bases into the intron before coding-DNA position 905, C replaced by G.
Molecular consequence: intron variant.
Genome position (GRCh38, 1-based): chr2:21,033,533, G>C on the plus strand (C>G on the coding strand, the complement: APOB is on the minus strand). VCF-style: chr2-21033533-G-C. GRCh37 (hg19) VCF-style: chr2-21256405-G-C.
Identifiers: ClinVar variation 265876 (VCV000265876.59), dbSNP rs72653061, ClinGen allele CA066235.
Genomic context (GRCh38, chr2:21,033,533, plus strand): 5'-GATGTGGATTTGGTGCTCTCAAATGCGAGGCCCATCTTCTTAGTACCTGGAAGATGGAAA[G>C]TGTCAAAGGAACTCTAGCTTTCTTCATCTCAACCATATCTTTGTCTACTGGAAGCTGGAA-3'

ClinVar aggregate classification (germline): Conflicting classifications of pathogenicity. Review status: criteria provided, conflicting classifications (1 of 4 stars). 12 submissions from 11 submitters: Uncertain significance (2); Benign (2); Likely benign (5). 3 of the submissions do not count toward it. Last evaluated 2026-09-01.

Conditions:
APOB-related disorder. Also called: APOB-related disorders; APOB-related condition.
Familial hypobetalipoproteinemia 1. Also called: Hypobetalipoproteinemia, normotriglyceridemic; Acanthocytosis with hypobetalipoproteinemia; APOB-Related Familial Hypobetalipoproteinemia. Identifiers: MedGen C4551990, MONDO:0014252, OMIM 615558.
Hypercholesterolemia, autosomal dominant, type B (FHCL2). Also called: APOB-Related Familial Hypercholesterolemia, Autosomal Dominant; Familial hypercholesterolemia 2; APOLIPOPROTEIN B-100, FAMILIAL DEFECTIVE; APOLIPOPROTEIN B-100, FAMILIAL LIGAND-DEFECTIVE; Familial Hypercholesterolemia Type B; Hyperlipoproteinemia Type IIb. Identifiers: MedGen C1704417, MONDO:0007751, OMIM 144010.
Hypercholesterolemia, familial, 1. Also called: LDL RECEPTOR DISORDER; Hyperlipoproteinemia Type IIa; HYPER-LOW-DENSITY-LIPOPROTEINEMIA; HYPERCHOLESTEROLEMIC XANTHOMATOSIS, FAMILIAL; Fredrickson type IIa hyperlipoproteinemia; Hyperlipoproteinemia type 2. Identifiers: Orphanet 391665, MedGen C0745103, MONDO:0007750, OMIM 143890.

Allele frequency attached by ClinVar (database versions not stated): 1000 Genomes Project 0.00200; 1000 Genomes Project 30x 0.00203; ESP Exome Variant Server 0.00284; TOPMed 0.00285; gnomAD exomes 0.00322; ExAC 0.00377; gnomAD 0.00554.
gnomAD v4.1: 6,186 of 1,603,126 alleles (0.39%); highest among the groups gnomAD compares: Non-Finnish European, 0.46%; 16 homozygotes.

Submissions (12):

CeGaT Center for Human Genetics Tuebingen
Classification: Likely benign. Last evaluated: 2026-09-01. Review status: criteria provided, single submitter. Criteria: CeGaT Center For Human Genetics Tuebingen Variant Classification Criteria Version 2. Collection method: clinical testing. Allele origin: germline. Affected: yes. Observed: 29 variant alleles.
Comment: APOB: BS2

Labcorp Genetics (formerly Invitae), Labcorp
Classification: Benign for Familial hypobetalipoproteinemia 1; Hypercholesterolemia, autosomal dominant, type B. Last evaluated: 2026-01-31. Review status: criteria provided, single submitter. Criteria: Invitae Variant Classification Sherloc (09022015). Collection method: clinical testing. Allele origin: germline.

ARUP Laboratories, Molecular Genetics and Genomics, ARUP Laboratories
Classification: Likely benign. Last evaluated: 2025-03-07. Review status: criteria provided, single submitter. Criteria: ARUP Molecular Germline Variant Investigation Process 2024. Collection method: clinical testing. Allele origin: germline.

Blueprint Genetics
Classification: Likely benign. Last evaluated: 2024-11-25. Review status: criteria provided, single submitter. Criteria: ACMG Guidelines, 2015. Collection method: clinical testing. Allele origin: germline.

Illumina Laboratory Services, Illumina
Classification: Uncertain significance for Familial hypobetalipoproteinemia 1. Last evaluated: 2018-01-13. Review status: criteria provided, single submitter. Criteria: ICSL Variant Classification Criteria 13 December 2019. Collection method: clinical testing. Allele origin: germline.

Illumina Laboratory Services, Illumina
Classification: Likely benign for Hypercholesterolemia, autosomal dominant, type B. Last evaluated: 2018-01-13. Review status: criteria provided, single submitter. Criteria: ICSL Variant Classification Criteria 13 December 2019. Collection method: clinical testing. Allele origin: germline.
Comment: This variant was observed in the ICSL laboratory as part of a predisposition screen in an ostensibly healthy population. It had not been previously curated by ICSL or reported in the Human Gene Mutation Database (HGMD: prior to June 1st, 2018), and was therefore a candidate for classification through an automated scoring system. Utilizing variant allele frequency, disease prevalence and penetrance estimates, and inheritance mode, an automated score was calculated to assess if this variant is too frequent to cause the disease. Based on the score and internal cut-off values, a variant classified as likely benign is not then subjected to further curation. The score for this variant resulted in a classification of likely benign for this disease.

GeneDx
Classification: Likely benign. Last evaluated: 2018-01-04. Review status: criteria provided, single submitter. Criteria: GeneDx Variant Classification (06012015). Collection method: clinical testing. Allele origin: germline. Affected: yes.
Comment: This variant is considered likely benign or benign based on one or more of the following criteria: it is a conservative change, it occurs at a poorly conserved position in the protein, it is predicted to be benign by multiple in silico algorithms, and/or has population frequency not consistent with disease.

Robarts Research Institute, Western University
Classification: Benign for Hypercholesterolemia, familial, 1. Last evaluated: 2018-01-02. Review status: criteria provided, single submitter. Criteria: ACMG Guidelines, 2015. Collection method: clinical testing. Allele origin: germline. Inheritance: Autosomal dominant inheritance. Affected: yes.

Cardiovascular Research Group, Instituto Nacional de Saude Doutor Ricardo Jorge
Classification: Uncertain significance for Familial hypercholesterolemia. Last evaluated: 2016-03-01. Review status: criteria provided, single submitter. Criteria: ACMG Guidelines, 2015. Collection method: research. Allele origin: germline. Affected: yes.

PreventionGenetics, part of Exact Sciences
Classification: Likely benign for APOB-related condition. Last evaluated: 2019-03-13. Review status: no assertion criteria provided. Collection method: clinical testing. Allele origin: germline. Not counted in ClinVar's aggregate classification.
Comment: This variant is classified as likely benign based on ACMG/AMP sequence variant interpretation guidelines (Richards et al. 2015 PMID: 25741868, with internal and published modifications).

Clinical Genetics, Academic Medical Center
Classification: Benign. Review status: no assertion criteria provided. Collection method: clinical testing. Allele origin: germline. Affected: yes. Study: VKGL Data-share Consensus. Not counted in ClinVar's aggregate classification.

Diagnostic Laboratory, Department of Genetics, University Medical Center Groningen
Classification: Likely benign. Review status: no assertion criteria provided. Collection method: clinical testing. Allele origin: germline. Affected: yes. Study: VKGL Data-share Consensus. Not counted in ClinVar's aggregate classification.